The following is an entry in ClinVar:

ClinVar aggregate classification (germline): Benign/Likely benign. Review status: criteria provided, multiple submitters, no conflicts (2 of 4 stars). 6 submissions from 4 submitters: Benign (4); Likely benign (2). Last evaluated 2022-11-01.

Conditions:
Myosin storage myopathy (CMYO7A). Also called: MYOPATHY, HYALINE BODY, AUTOSOMAL DOMINANT; MYOPATHY WITH LYSIS OF TYPE I MYOFIBRILS; MYH7-related late-onset scapuloperoneal muscular dystrophy; Congenital myopathy 7A, myosin storage, autosomal dominant; SCAPULOPERONEAL MUSCULAR DYSTROPHY; SCAPULOPERONEAL SYNDROME, MYOPATHIC TYPE. Identifiers: Orphanet 437572, Orphanet 636965, MedGen C1842160, MONDO:0008409, OMIM 608358.
Hypertrophic cardiomyopathy 1 (CMH1). Also called: MYH7-Related Familial Hypertrophic Cardiomyopathy; Familial hypertrophic cardiomyopathy 1. Identifiers: MedGen C3495498, MONDO:0008647, OMIM 192600.
MYH7-related skeletal myopathy. Also called: Laing early-onset distal myopathy; Myopathy, distal, 1; MYOPATHY, DISTAL, EARLY-ONSET, AUTOSOMAL DOMINANT; MYOPATHY, LATE DISTAL HEREDITARY; Laing distal myopathy. Identifiers: Orphanet 59135, MedGen C4552004, MONDO:0008050, OMIM 160500.

Allele frequency attached by ClinVar (database versions not stated): 1000 Genomes Project 30x 0.00406; TOPMed 0.00435; 1000 Genomes Project 0.00439; gnomAD exomes 0.00706; gnomAD 0.01065 and 0.01123.
gnomAD v4.1: 7,728 of 1,027,776 alleles (0.75%); highest among the groups gnomAD compares: Non-Finnish European, 0.75%; 59 homozygotes.

Submissions (6):

CeGaT Center for Human Genetics Tuebingen
Classification: Benign. Last evaluated: 2022-11-01. Review status: criteria provided, single submitter. Criteria: CeGaT Center For Human Genetics Tuebingen Variant Classification Criteria Version 2. Collection method: clinical testing. Allele origin: germline. Affected: yes. Observed: 2 variant alleles.
Comment: MYH7: BS1, BS2

Blueprint Genetics
Classification: Likely benign. Last evaluated: 2018-05-08. Review status: criteria provided, single submitter. Criteria: ACMG Guidelines, 2015. Collection method: clinical testing. Allele origin: germline.

Illumina Laboratory Services, Illumina
Classification: Benign for Myosin storage myopathy. Last evaluated: 2018-01-13. Review status: criteria provided, single submitter. Criteria: ICSL Variant Classification Criteria 13 December 2019. Collection method: clinical testing. Allele origin: germline.
Comment: This variant was observed in the ICSL laboratory as part of a predisposition screen in an ostensibly healthy population. It had not been previously curated by ICSL or reported in the Human Gene Mutation Database (HGMD: prior to June 1st, 2018), and was therefore a candidate for classification through an automated scoring system. Utilizing variant allele frequency, disease prevalence and penetrance estimates, and inheritance mode, an automated score was calculated to assess if this variant is too frequent to cause the disease. Based on the score and internal cut-off values, a variant classified as benign is not then subjected to further curation. The score for this variant resulted in a classification of benign for this disease.

Illumina Laboratory Services, Illumina
Classification: Likely benign for Hypertrophic cardiomyopathy 1. Last evaluated: 2018-01-13. Review status: criteria provided, single submitter. Criteria: ICSL Variant Classification Criteria 13 December 2019. Collection method: clinical testing. Allele origin: germline.
Comment: This variant was observed in the ICSL laboratory as part of a predisposition screen in an ostensibly healthy population. It had not been previously curated by ICSL or reported in the Human Gene Mutation Database (HGMD: prior to June 1st, 2018), and was therefore a candidate for classification through an automated scoring system. Utilizing variant allele frequency, disease prevalence and penetrance estimates, and inheritance mode, an automated score was calculated to assess if this variant is too frequent to cause the disease. Based on the score and internal cut-off values, a variant classified as likely benign is not then subjected to further curation. The score for this variant resulted in a classification of likely benign for this disease.

Illumina Laboratory Services, Illumina
Classification: Benign for MYH7-related skeletal myopathy. Last evaluated: 2018-01-13. Review status: criteria provided, single submitter. Criteria: ICSL Variant Classification Criteria 13 December 2019. Collection method: clinical testing. Allele origin: germline.
Comment: the same text as in the submission from Illumina Laboratory Services, Illumina above.

GeneDx
Classification: Benign. Last evaluated: 2015-03-03. Review status: criteria provided, single submitter. Criteria: GeneDx Variant Classification Process June 2021. Collection method: clinical testing. Allele origin: germline. Affected: yes.

NM_000257.4(MYH7):c.-36C>T

Gene: MYH7 (myosin heavy chain 7; minus strand). Cytogenetic location: 14q11.2.
Variant type: single nucleotide variant.
Coding change: c.-36C>T on transcript NM_000257.4 (MANE Select); 36 bases upstream of the start codon, C replaced by T.
Molecular consequence: 5 prime UTR variant.
Genome position (GRCh38, 1-based): chr14:23,434,221, G>A on the plus strand (C>T on the coding strand, the complement: MYH7 is on the minus strand). VCF-style: chr14-23434221-G-A. GRCh37 (hg19) VCF-style: chr14-23903430-G-A.
Other names: c.-36C>T (LRG_384t1).
Identifiers: ClinVar variation 312919 (VCV000312919.37), dbSNP rs45497293, ClinGen allele CA10645078.
Genomic context (GRCh38, chr14:23,434,221, plus strand): 5'-GATTTTCAACACTCTAGCTTCAGCTTTTCTTACCTGGGCTACTCAAGTGTGTCTACAGAT[G>A]AGGAAAGGGGCCAAGGCCTGCAGGGGACCTGGAGAGAGGGAAGAGGCTGTGTCAGGGCAG-3'